The following is an entry in ClinVar:

ClinVar aggregate classification (germline): Conflicting classifications of pathogenicity. Review status: criteria provided, conflicting classifications (1 of 4 stars). 4 submissions from 4 submitters: Uncertain significance (3); Benign (1). Last evaluated 2026-01-04.

Conditions:
Patterned macular dystrophy 2. Identifiers: Orphanet 99001, MedGen C1837029, MONDO:0012162, OMIM 608970.
Hereditary cancer-predisposing syndrome. Also called: Neoplastic Syndromes, Hereditary; Hereditary Cancer Syndrome; Tumor predisposition; Hereditary neoplastic syndrome. Identifiers: Orphanet 140162, MedGen C0027672, MeSH D009386, MONDO:0015356.

Allele frequency attached by ClinVar (database versions not stated): gnomAD exomes below 0.00001; gnomAD 0.00001; TOPMed 0.00001.
gnomAD v4.1: 5 of 1,611,108 alleles (0.00031%); highest among the groups gnomAD compares: African/African-American, 0.0027%; no homozygotes.

Submissions (4):

Labcorp Genetics (formerly Invitae), Labcorp
Classification: Uncertain significance. Last evaluated: 2026-01-04. Review status: criteria provided, single submitter. Criteria: Invitae Variant Classification Sherloc (09022015). Collection method: clinical testing. Allele origin: germline.
Comment: This sequence change replaces isoleucine, which is neutral and non-polar, with valine, which is neutral and non-polar, at codon 368 of the CTNNA1 protein (p.Ile368Val). This variant is present in population databases (no rsID available, gnomAD 0.02%). This variant has not been reported in the literature in individuals affected with CTNNA1-related conditions. ClinVar contains an entry for this variant (Variation ID: 946056). Invitae Evidence Modeling of protein sequence and biophysical properties (such as structural, functional, and spatial information, amino acid conservation, physicochemical variation, residue mobility, and thermodynamic stability) indicates that this missense variant is not expected to disrupt CTNNA1 protein function with a negative predictive value of 80%. In summary, the available evidence is currently insufficient to determine the role of this variant in disease. Therefore, it has been classified as a Variant of Uncertain Significance.

Ambry Genetics
Classification: Benign for Hereditary cancer-predisposing syndrome. Last evaluated: 2025-02-26. Review status: criteria provided, single submitter. Criteria: Ambry Variant Classification Scheme 2023. Collection method: clinical testing. Allele origin: germline.

GeneDx
Classification: Uncertain significance. Last evaluated: 2024-03-27. Review status: criteria provided, single submitter. Criteria: GeneDx Variant Classification Process June 2021. Collection method: clinical testing. Allele origin: germline. Affected: yes.
Comment: In silico analysis supports that this missense variant does not alter protein structure/function; Observed in individual(s) referred for hereditary cancer multi-gene panel testing (PMID: 32051609); This variant is associated with the following publications: (PMID: 32051609)

Baylor Genetics
Classification: Uncertain significance for Patterned macular dystrophy 2. Last evaluated: 2023-05-08. Review status: criteria provided, single submitter. Criteria: ACMG Guidelines, 2015. Collection method: clinical testing. Allele origin: unknown.

NM_001903.5(CTNNA1):c.1102A>G (p.Ile368Val)

Gene: CTNNA1 (catenin alpha 1; plus strand). Cytogenetic location: 5q31.2.
Variant type: single nucleotide variant.
Coding change: c.1102A>G on transcript NM_001903.5 (MANE Select); coding-DNA position 1102, A replaced by G.
Protein change: p.Ile368Val; replaces isoleucine 368 with valine.
Molecular consequence: missense variant. On other transcripts: 5 prime UTR variant (26), intron variant (2).
Genome position (GRCh38, 1-based): chr5:138,886,251, A>G. VCF-style: chr5-138886251-A-G. GRCh37 (hg19) VCF-style: chr5-138221940-A-G.
Other names: c.1102A>G, p.Ile368Val (NM_001290307.3, NM_001323982.2, NM_001323983.1 and 3 more transcripts); c.793A>G, p.Ile265Val (NM_001290309.3); c.733A>G, p.Ile245Val (NM_001290310.3); c.-9A>G (NM_001290312.1, NM_001323987.1, NM_001323988.1 and 18 more transcripts); c.-406A>G (NM_001324006.1, NM_001324007.1, NM_001324008.1 and 1 more transcripts); c.-281A>G (NM_001324013.1); c.-58+10654A>G (NM_001324012.1); c.-61+10654A>G (NM_001324010.1); short protein forms I245V, I368V, I265V.
Identifiers: ClinVar variation 946056 (VCV000946056.13), dbSNP rs1354521948, ClinGen allele CA361132554.